The following is an entry in ClinVar:

NM_001040108.2(MLH3):c.1193T>C (p.Leu398Ser)

Gene: MLH3 (mutL homolog 3; minus strand). Cytogenetic location: 14q24.3.
Variant type: single nucleotide variant.
Coding change: c.1193T>C on transcript NM_001040108.2 (MANE Select); coding-DNA position 1193, T replaced by C.
Protein change: p.Leu398Ser; replaces leucine 398 with serine.
Molecular consequence: missense variant.
Genome position (GRCh38, 1-based): chr14:75,048,463, A>G on the plus strand (T>C on the coding strand, the complement: MLH3 is on the minus strand). VCF-style: chr14-75048463-A-G. GRCh37 (hg19) VCF-style: chr14-75515166-A-G.
Other names: c.1193T>C, p.Leu398Ser (NM_014381.3); short protein forms L398S.
Identifiers: ClinVar variation 4860138 (VCV004860138.1).
Genomic context (GRCh38, chr14:75,048,463, plus strand): 5'-TCTGCAGTAGTTTTTCTTTTCACAGCTTTTGACTGCAAATTAAACATCTCATAGGAATCT[A>G]AAATATTATTACATGCTTCCTGGAAATTGCTCCTCTCATCGGAAGTCACACGCTTCTGAA-3'
Protein context (NP_001035197.1, residues 388-408): SNFQEACNNI[Leu398Ser]DSYEMFNLQS

ClinVar aggregate classification (germline): Uncertain significance (1 of 4 stars; one submission).

Submission:

Ambry Genetics
Classification: Uncertain significance. Last evaluated: 2026-06-12. Review status: criteria provided, single submitter. Criteria: Ambry Variant Classification Scheme 2023. Collection method: clinical testing. Allele origin: germline.
Comment: The p.L398S variant (also known as c.1193T>C), located in coding exon 1 of the MLH3 gene, results from a T to C substitution at nucleotide position 1193. The leucine at codon 398 is replaced by serine, an amino acid with dissimilar properties. This amino acid position is conserved. In addition, this alteration is predicted to be tolerated by in silico analysis. Based on the available evidence, the clinical significance of this variant remains unclear.